The following is an entry in ClinVar:

NM_001365276.2(TNXB):c.1859C>T (p.Thr620Ile)

Gene: TNXB (tenascin XB; minus strand). Cytogenetic location: 6p21.33.
Variant type: single nucleotide variant.
Coding change: c.1859C>T on transcript NM_001365276.2 (MANE Select); coding-DNA position 1859, C replaced by T.
Protein change: p.Thr620Ile; replaces threonine 620 with isoleucine.
Molecular consequence: missense variant.
Genome position (GRCh38, 1-based): chr6:32,095,994, G>A on the plus strand (C>T on the coding strand, the complement: TNXB is on the minus strand). VCF-style: chr6-32095994-G-A. GRCh37 (hg19) VCF-style: chr6-32063771-G-A.
Other names: c.1859C>T, p.Thr620Ile (NM_001428335.1, NM_019105.8); short protein forms T620I.
Identifiers: ClinVar variation 4842878 (VCV004842878.1).
Genomic context (GRCh38, chr6:32,095,994, plus strand): 5'-GGGTCGCACAGGCAGCGCCCTTCCTCACAGCGGCCCCTCCCGTGGCAGTTGGAGGGGCAG[G>A]TGCGGATGCTGCAGTCCTCACTCACGTAGCCTTCCCAACAGATGCACACACCGTCCTGGC-3'
Protein context (NP_001352205.1, residues 610-630): GYVSEDCSIR[Thr620Ile]CPSNCHGRGR

ClinVar aggregate classification (germline): Uncertain significance (1 of 4 stars; one submission).

Conditions:
Cardiovascular phenotype. Identifiers: MedGen CN230736.

gnomAD v4.1: 1 of 1,612,806 alleles (0.000062%); no homozygotes.

Submission:

Ambry Genetics
Classification: Uncertain significance for Cardiovascular phenotype. Last evaluated: 2026-01-10. Review status: criteria provided, single submitter. Criteria: Ambry Variant Classification Scheme 2023. Collection method: clinical testing. Allele origin: germline.
Comment: The p.T620I variant (also known as c.1859C>T), located in coding exon 2 of the TNXB gene, results from a C to T substitution at nucleotide position 1859. The threonine at codon 620 is replaced by isoleucine, an amino acid with similar properties. This amino acid position is conserved. In addition, this alteration is predicted to be tolerated by in silico analysis. Based on the available evidence, the clinical significance of this variant remains unclear.